The following is an entry in ClinVar:

ClinVar aggregate classification (germline): Uncertain significance. Review status: criteria provided, multiple submitters, no conflicts (2 of 4 stars). 2 submissions from 2 submitters: Uncertain significance (2). Last evaluated 2024-02-23.

Conditions:
Inborn genetic diseases. Identifiers: MedGen C0950123, MeSH D030342.
Dyskeratosis congenita, autosomal dominant 6 (DKCA6). Identifiers: Orphanet 3322, MedGen C4225284, MONDO:0014690, OMIM 616553.

Allele frequency attached by ClinVar (database versions not stated): ExAC 0.00001; gnomAD exomes 0.00001; TOPMed 0.00002.
gnomAD v4.1: 11 of 1,613,890 alleles (0.00068%); highest among the groups gnomAD compares: Middle Eastern, 0.033%; no homozygotes.

Submissions (2):

Labcorp Genetics (formerly Invitae), Labcorp
Classification: Uncertain significance for Dyskeratosis congenita, autosomal dominant 6. Last evaluated: 2024-02-23. Review status: criteria provided, single submitter. Criteria: Invitae Variant Classification Sherloc (09022015). Collection method: clinical testing. Allele origin: germline.
Comment: This sequence change replaces glycine, which is neutral and non-polar, with valine, which is neutral and non-polar, at codon 283 of the ACD protein (p.Gly283Val). This variant is present in population databases (rs780160617, gnomAD 0.0009%). This variant has not been reported in the literature in individuals affected with ACD-related conditions. ClinVar contains an entry for this variant (Variation ID: 861384). Advanced modeling of protein sequence and biophysical properties (such as structural, functional, and spatial information, amino acid conservation, physicochemical variation, residue mobility, and thermodynamic stability) performed at Invitae indicates that this missense variant is expected to disrupt ACD protein function with a positive predictive value of 80%. In summary, the available evidence is currently insufficient to determine the role of this variant in disease. Therefore, it has been classified as a Variant of Uncertain Significance.

Ambry Genetics
Classification: Uncertain significance for Inborn genetic diseases. Last evaluated: 2021-07-31. Review status: criteria provided, single submitter. Criteria: Ambry Variant Classification Scheme 2023. Collection method: clinical testing. Allele origin: germline.
Comment: The p.G283V variant (also known as c.848G>T), located in coding exon 7 of the ACD gene, results from a G to T substitution at nucleotide position 848. The glycine at codon 283 is replaced by valine, an amino acid with dissimilar properties. This amino acid position is conserved. In addition, this alteration is predicted to be tolerated by in silico analysis. Since supporting evidence is limited at this time, the clinical significance of this alteration remains unclear.

NM_001082486.2(ACD):c.590G>T (p.Gly197Val)

Gene: ACD (ACD shelterin complex subunit and telomerase recruitment factor; minus strand). Cytogenetic location: 16q22.1.
Variant type: single nucleotide variant.
Coding change: c.590G>T on transcript NM_001082486.2 (MANE Select); coding-DNA position 590, G replaced by T.
Protein change: p.Gly197Val; replaces glycine 197 with valine.
Molecular consequence: missense variant.
Genome position (GRCh38, 1-based): chr16:67,658,983, C>A on the plus strand (G>T on the coding strand, the complement: ACD is on the minus strand). VCF-style: chr16-67658983-C-A. GRCh37 (hg19) VCF-style: chr16-67692886-C-A.
Other names: c.581G>T, p.Gly194Val (NM_022914.3); short protein forms G197V, G194V.
Identifiers: ClinVar variation 861384 (VCV000861384.11), dbSNP rs780160617, ClinGen allele CA8114616.